The following is an entry in ClinVar:

NM_152564.5(VPS13B):c.11659A>G (p.Thr3887Ala)

Gene: VPS13B (vacuolar protein sorting 13 homolog B; plus strand). Cytogenetic location: 8q22.2.
Variant type: single nucleotide variant.
Coding change: c.11659A>G on transcript NM_152564.5 (MANE Select); coding-DNA position 11659, A replaced by G.
Protein change: p.Thr3887Ala; replaces threonine 3887 with alanine.
Molecular consequence: missense variant.
Genome position (GRCh38, 1-based): chr8:99,871,611, A>G. VCF-style: chr8-99871611-A-G. GRCh37 (hg19) VCF-style: chr8-100883839-A-G.
Other names: c.11734A>G, p.Thr3912Ala (NM_017890.5); short protein forms T3887A, T3912A.
Identifiers: ClinVar variation 2005068 (VCV002005068.4), dbSNP rs2492377551, ClinGen allele CA371794752.

ClinVar aggregate classification (germline): Uncertain significance (1 of 4 stars; one submission).

Conditions:
Cohen syndrome (COH1). Also called: Cutis verticis gyrata, retinitis pigmentosa, and sensorineural deafness; PEPPER SYNDROME. Identifiers: Orphanet 193, MedGen C0265223, MONDO:0008999, OMIM 216550.

Submission:

Labcorp Genetics (formerly Invitae), Labcorp
Classification: Uncertain significance for Cohen syndrome. Last evaluated: 2022-06-22. Review status: criteria provided, single submitter. Criteria: Invitae Variant Classification Sherloc (09022015). Collection method: clinical testing. Allele origin: germline.
Comment: In summary, the available evidence is currently insufficient to determine the role of this variant in disease. Therefore, it has been classified as a Variant of Uncertain Significance. Algorithms developed to predict the effect of missense changes on protein structure and function are either unavailable or do not agree on the potential impact of this missense change (SIFT: "Not Available"; PolyPhen-2: "Benign"; Align-GVGD: "Not Available"). This variant has not been reported in the literature in individuals affected with VPS13B-related conditions. This variant is not present in population databases (gnomAD no frequency). This sequence change replaces threonine, which is neutral and polar, with alanine, which is neutral and non-polar, at codon 3912 of the VPS13B protein (p.Thr3912Ala).